The following is an entry in ClinVar:

ClinVar aggregate classification (germline): Benign/Likely benign. Review status: criteria provided, multiple submitters, no conflicts (2 of 4 stars). 2 submissions from 2 submitters: Benign (1); Likely benign (1). Last evaluated 2025-12-06.

Conditions:
Benign neonatal seizures. Also called: Benign familial neonatal seizures; Benign neonatal familial convulsions; Benign familial neonatal epilepsy; Convulsions benign familial neonatal dominant form; Autosomal dominant form of benign neonatal seizures. Identifiers: Orphanet 1949, MedGen C0220669, MONDO:0016027.
Seizures, benign familial neonatal, 2. Also called: CONVULSIONS, BENIGN FAMILIAL NEONATAL, 2; KCNQ3-Related Self-Limited Familial Neonatal Epilepsy (SLFNE); Benign Neonatal Epilepsy 2; KCNQ3-Related Benign Familial Neonatal Epilepsy; Seizures, benign neonatal, 2. Identifiers: Orphanet 1949, MedGen C1852581, MONDO:0007366, OMIM 121201.

Allele frequency attached by ClinVar (database versions not stated): 1000 Genomes Project 30x 0.00016; TOPMed 0.00002; gnomAD 0.00004 and below 0.00001; 1000 Genomes Project 0.00020; gnomAD exomes 0.00006 and 0.00010; ExAC 0.00010.
gnomAD v4.1: 100 of 1,614,128 alleles (0.0062%); highest among the groups gnomAD compares: South Asian, 0.086%; no homozygotes.

Submissions (2):

Labcorp Genetics (formerly Invitae), Labcorp
Classification: Likely benign for Benign neonatal seizures. Last evaluated: 2025-12-06. Review status: criteria provided, single submitter. Criteria: Invitae Variant Classification Sherloc (09022015). Collection method: clinical testing. Allele origin: germline.

Illumina Laboratory Services, Illumina
Classification: Benign for Seizures, benign familial neonatal, 2. Last evaluated: 2018-01-12. Review status: criteria provided, single submitter. Criteria: ICSL Variant Classification Criteria 13 December 2019. Collection method: clinical testing. Allele origin: germline.
Comment: This variant was observed in the ICSL laboratory as part of a predisposition screen in an ostensibly healthy population. It had not been previously curated by ICSL or reported in the Human Gene Mutation Database (HGMD: prior to June 1st, 2018), and was therefore a candidate for classification through an automated scoring system. Utilizing variant allele frequency, disease prevalence and penetrance estimates, and inheritance mode, an automated score was calculated to assess if this variant is too frequent to cause the disease. Based on the score and internal cut-off values, a variant classified as benign is not then subjected to further curation. The score for this variant resulted in a classification of benign for this disease.

NM_004519.4(KCNQ3):c.2262C>T (p.Leu754=)

Gene: KCNQ3 (potassium voltage-gated channel subfamily Q member 3; minus strand). Cytogenetic location: 8q24.22.
Variant type: single nucleotide variant.
Coding change: c.2262C>T on transcript NM_004519.4 (MANE Select); coding-DNA position 2262, C replaced by T.
Protein change: p.Leu754=; no amino-acid change (leucine 754 retained).
Molecular consequence: synonymous variant.
Genome position (GRCh38, 1-based): chr8:132,129,619, G>A on the plus strand (C>T on the coding strand, the complement: KCNQ3 is on the minus strand). VCF-style: chr8-132129619-G-A. GRCh37 (hg19) VCF-style: chr8-133141866-G-A.
Other names: c.1902C>T, p.Leu634= (NM_001204824.2).
Identifiers: ClinVar variation 361873 (VCV000361873.13), dbSNP rs555827251, ClinGen allele CA4880482.
Genomic context (GRCh38, chr8:132,129,619, plus strand): 5'-GATTCGGTCCGAGTAGGGGCCCTGCAGGTCAGCCTGGGAGTGGCAGCTCACTCGGGAGTC[G>A]AGAAGAGTCAAGATAGGCAGGACCGTGGGCCTCTCCACATACGTTGTTGCTGAGGAAGGA-3'
Protein context (NP_004510.1, residues 744-764): RPTVLPILTL[Leu754=]DSRVSCHSQA